The following is an entry in ClinVar:

ClinVar aggregate classification (germline): Uncertain significance (1 of 4 stars; one submission).

Allele frequency attached by ClinVar (database versions not stated): gnomAD exomes below 0.00001.
gnomAD v4.1: 1 of 1,614,038 alleles (0.000062%); highest among the groups gnomAD compares: South Asian, 0.0011%; no homozygotes.

Submission:

Labcorp Genetics (formerly Invitae), Labcorp
Classification: Uncertain significance. Last evaluated: 2021-06-02. Review status: criteria provided, single submitter. Criteria: Invitae Variant Classification Sherloc (09022015). Collection method: clinical testing. Allele origin: germline.
Comment: In summary, the available evidence is currently insufficient to determine the role of this variant in disease. Therefore, it has been classified as a Variant of Uncertain Significance. Algorithms developed to predict the effect of missense changes on protein structure and function output the following: SIFT: "Deleterious"; PolyPhen-2: "Benign"; Align-GVGD: "Class C0". The threonine amino acid residue is found in multiple mammalian species, suggesting that this missense change does not adversely affect protein function. These predictions have not been confirmed by published functional studies and their clinical significance is uncertain. This sequence change replaces isoleucine with threonine at codon 83 of the MSH3 protein (p.Ile83Thr). The isoleucine residue is weakly conserved and there is a moderate physicochemical difference between isoleucine and threonine. This variant is not present in population databases (ExAC no frequency). This variant has not been reported in the literature in individuals with MSH3-related conditions.

NM_002439.5(MSH3):c.248T>C (p.Ile83Thr)

Gene: MSH3 (mutS homolog 3; plus strand). Cytogenetic location: 5q14.1.
Variant type: single nucleotide variant.
Coding change: c.248T>C on transcript NM_002439.5 (MANE Select); coding-DNA position 248, T replaced by C.
Protein change: p.Ile83Thr; replaces isoleucine 83 with threonine.
Molecular consequence: missense variant.
Genome position (GRCh38, 1-based): chr5:80,656,421, T>C. VCF-style: chr5-80656421-T-C. GRCh37 (hg19) VCF-style: chr5-79952240-T-C.
Other names: short protein forms I83T.
Identifiers: ClinVar variation 1495960 (VCV001495960.8), dbSNP rs2112801546, ClinGen allele CA360266125.
Genomic context (GRCh38, chr5:80,656,421, plus strand): 5'-GCCTTCTCAGAGTAGAGATAACACATCATTTTCTAACCTTCCCGATATAGGCTACAGAAA[T>C]TGACAGAAGAAAGAAGAGACCATTGGAAAATGATGGGCCTGTTAAAAAGAAAGTAAAGAA-3'
Protein context (NP_002430.3, residues 73-93): PQLPPHIATE[Ile83Thr]DRRKKRPLEN